The following is an entry in ClinVar:

ClinVar aggregate classification (germline): Uncertain significance (1 of 4 stars; one submission).

Conditions:
Fanconi anemia (FA). Also called: Fanconi's anemia. Identifiers: Orphanet 84, MedGen C0015625, MeSH D005199, MONDO:0019391.

Allele frequency attached by ClinVar (database versions not stated): gnomAD exomes 0.00001.
gnomAD v4.1: 8 of 1,612,058 alleles (0.0005%); highest among the groups gnomAD compares: Non-Finnish European, 0.00068%; no homozygotes.

Submission:

Labcorp Genetics (formerly Invitae), Labcorp
Classification: Uncertain significance for Fanconi anemia. Last evaluated: 2022-12-19. Review status: criteria provided, single submitter. Criteria: Invitae Variant Classification Sherloc (09022015). Collection method: clinical testing. Allele origin: germline.
Comment: In summary, the available evidence is currently insufficient to determine the role of this variant in disease. Therefore, it has been classified as a Variant of Uncertain Significance. Algorithms developed to predict the effect of missense changes on protein structure and function are either unavailable or do not agree on the potential impact of this missense change (SIFT: "Deleterious"; PolyPhen-2: "Possibly Damaging"; Align-GVGD: "Class C0"). This variant has not been reported in the literature in individuals affected with FANCM-related conditions. This variant is not present in population databases (gnomAD no frequency). This sequence change replaces leucine, which is neutral and non-polar, with serine, which is neutral and polar, at codon 713 of the FANCM protein (p.Leu713Ser).

NM_020937.4(FANCM):c.2138T>C (p.Leu713Ser)

Gene: FANCM (FA complementation group M; plus strand). Cytogenetic location: 14q21.2.
Variant type: single nucleotide variant.
Coding change: c.2138T>C on transcript NM_020937.4 (MANE Select); coding-DNA position 2138, T replaced by C.
Protein change: p.Leu713Ser; replaces leucine 713 with serine.
Molecular consequence: missense variant.
Genome position (GRCh38, 1-based): chr14:45,170,724, T>C. VCF-style: chr14-45170724-T-C. GRCh37 (hg19) VCF-style: chr14-45639927-T-C.
Other names: c.2060T>C, p.Leu687Ser (NM_001308133.2); short protein forms L713S, L687S.
Identifiers: ClinVar variation 2699338 (VCV002699338.3), dbSNP rs2503163610, ClinGen allele CA389596329.